The following is an entry in ClinVar:

ClinVar aggregate classification (germline): Uncertain significance. Review status: criteria provided, multiple submitters, no conflicts (2 of 4 stars). 3 submissions from 3 submitters: Uncertain significance (3). Last evaluated 2025-11-06.

Conditions:
Hereditary cancer-predisposing syndrome. Also called: Neoplastic Syndromes, Hereditary; Tumor predisposition; Hereditary neoplastic syndrome; Hereditary Cancer Syndrome. Identifiers: Orphanet 140162, MedGen C0027672, MeSH D009386, MONDO:0015356.
Hereditary nonpolyposis colorectal neoplasms. Identifiers: MedGen C0009405, MeSH D003123.

gnomAD v4.1: 1 of 1,612,324 alleles (0.000062%); highest among the groups gnomAD compares: Non-Finnish European, 0.000085%; no homozygotes.

Submissions (3):

Color Diagnostics, LLC DBA Color Health
Classification: Uncertain significance for Hereditary cancer-predisposing syndrome. Last evaluated: 2025-11-06. Review status: criteria provided, single submitter. Criteria: ACMG Guidelines, 2015. Collection method: clinical testing. Allele origin: germline.
Comment: This missense variant replaces tryptophan with leucine at codon 1047 of the MSH6 protein. Computational prediction suggests that this variant may have deleterious impact on protein structure and function. To our knowledge, functional studies have not been reported for this variant. This variant has not been reported in individuals affected with MSH6-related disorders in the literature. This variant has been identified in 1/1612324 chromosomes in the general population by the Genome Aggregation Database (gnomAD). The available evidence is insufficient to determine the role of this variant in disease conclusively. Therefore, this variant is classified as a Variant of Uncertain Significance.

Labcorp Genetics (formerly Invitae), Labcorp
Classification: Uncertain significance for Hereditary nonpolyposis colorectal neoplasms. Last evaluated: 2024-04-15. Review status: criteria provided, single submitter. Criteria: Invitae Variant Classification Sherloc (09022015). Collection method: clinical testing. Allele origin: germline.
Comment: This sequence change replaces tryptophan, which is neutral and slightly polar, with leucine, which is neutral and non-polar, at codon 1047 of the MSH6 protein (p.Trp1047Leu). This variant is not present in population databases (gnomAD no frequency). This variant has not been reported in the literature in individuals affected with MSH6-related conditions. ClinVar contains an entry for this variant (Variation ID: 629184). Advanced modeling of protein sequence and biophysical properties (such as structural, functional, and spatial information, amino acid conservation, physicochemical variation, residue mobility, and thermodynamic stability) performed at Invitae indicates that this missense variant is expected to disrupt MSH6 protein function with a positive predictive value of 95%. In summary, the available evidence is currently insufficient to determine the role of this variant in disease. Therefore, it has been classified as a Variant of Uncertain Significance.

Ambry Genetics
Classification: Uncertain significance for Hereditary cancer-predisposing syndrome. Last evaluated: 2023-07-31. Review status: criteria provided, single submitter. Criteria: Ambry Variant Classification Scheme 2023. Collection method: clinical testing. Allele origin: germline.
Comment: The p.W1047L variant (also known as c.3140G>T), located in coding exon 4 of the MSH6 gene, results from a G to T substitution at nucleotide position 3140. The tryptophan at codon 1047 is replaced by leucine, an amino acid with similar properties. This amino acid position is highly conserved in available vertebrate species. In addition, this alteration is predicted to be deleterious by in silico analysis. Since supporting evidence is limited at this time, the clinical significance of this alteration remains unclear.

NM_000179.3(MSH6):c.3140G>T (p.Trp1047Leu)

Gene: MSH6 (mutS homolog 6; plus strand). Cytogenetic location: 2p16.3.
Variant type: single nucleotide variant.
Coding change: c.3140G>T on transcript NM_000179.3 (MANE Select); coding-DNA position 3140, G replaced by T.
Protein change: p.Trp1047Leu; replaces tryptophan 1047 with leucine.
Molecular consequence: missense variant.
Genome position (GRCh38, 1-based): chr2:47,801,123, G>T. VCF-style: chr2-47801123-G-T. GRCh37 (hg19) VCF-style: chr2-48028262-G-T.
Other names: c.2750G>T, p.Trp917Leu (NM_001281492.2); c.2234G>T, p.Trp745Leu (NM_001281493.2, NM_001281494.2); short protein forms W1047L, W745L, W917L.
Identifiers: ClinVar variation 629184 (VCV000629184.13), dbSNP rs1064794302, ClinGen allele CA346756688.